The following is an entry in ClinVar:

NM_017649.5(CNNM2):c.*52C>T

Gene: CNNM2 (cyclin and CBS domain divalent metal cation transport mediator 2; plus strand). Cytogenetic location: 10q24.32.
Variant type: single nucleotide variant.
Coding change: c.*52C>T on transcript NM_017649.5 (MANE Select); 52 bases downstream of the stop codon, C replaced by T.
Molecular consequence: 3 prime UTR variant.
Genome position (GRCh38, 1-based): chr10:103,077,232, C>T. VCF-style: chr10-103077232-C-T. GRCh37 (hg19) VCF-style: chr10-104836989-C-T.
Other names: c.*52C>T (NM_199076.3).
Identifiers: ClinVar variation 298652 (VCV000298652.30), dbSNP rs367767821, ClinGen allele CA10634481.

ClinVar aggregate classification (germline): Benign/Likely benign. Review status: criteria provided, multiple submitters, no conflicts (2 of 4 stars). 3 submissions from 3 submitters: Benign (2); Likely benign (1). Last evaluated 2026-05-18.

Conditions:
Renal hypomagnesemia 6. Identifiers: Orphanet 34527, MedGen C3151295, MONDO:0013480, OMIM 613882.

Allele frequency attached by ClinVar (database versions not stated): 1000 Genomes Project 0.00120; 1000 Genomes Project 30x 0.00125; gnomAD 0.00271; ESP Exome Variant Server 0.00288; TOPMed 0.00291; gnomAD exomes 0.00425.
gnomAD v4.1: 6,192 of 1,525,816 alleles (0.41%); highest among the groups gnomAD compares: Non-Finnish European, 0.5%; 23 homozygotes.

Submissions (3):

Revvity Omics, Revvity
Classification: Benign. Last evaluated: 2026-05-18. Review status: criteria provided, single submitter. Criteria: ACMG Guidelines, 2015. Collection method: clinical testing. Allele origin: germline.

CeGaT Center for Human Genetics Tuebingen
Classification: Likely benign. Last evaluated: 2023-01-01. Review status: criteria provided, single submitter. Criteria: CeGaT Center For Human Genetics Tuebingen Variant Classification Criteria Version 2. Collection method: clinical testing. Allele origin: germline. Affected: yes. Observed: 1 variant allele.
Comment: CNNM2: BS2

Illumina Laboratory Services, Illumina
Classification: Benign for Renal hypomagnesemia 6. Last evaluated: 2018-01-13. Review status: criteria provided, single submitter. Criteria: ICSL Variant Classification Criteria 13 December 2019. Collection method: clinical testing. Allele origin: germline.
Comment: This variant was observed in the ICSL laboratory as part of a predisposition screen in an ostensibly healthy population. It had not been previously curated by ICSL or reported in the Human Gene Mutation Database (HGMD: prior to June 1st, 2018), and was therefore a candidate for classification through an automated scoring system. Utilizing variant allele frequency, disease prevalence and penetrance estimates, and inheritance mode, an automated score was calculated to assess if this variant is too frequent to cause the disease. Based on the score and internal cut-off values, a variant classified as benign is not then subjected to further curation. The score for this variant resulted in a classification of benign for this disease.